The following is an entry in ClinVar:

ClinVar aggregate classification (germline): Uncertain significance. Review status: criteria provided, multiple submitters, no conflicts (2 of 4 stars). 2 submissions from 2 submitters: Uncertain significance (2). Last evaluated 2026-05-30.

Conditions:
Hereditary cancer-predisposing syndrome. Also called: Hereditary neoplastic syndrome; Neoplastic Syndromes, Hereditary; Tumor predisposition; Hereditary Cancer Syndrome. Identifiers: Orphanet 140162, MedGen C0027672, MeSH D009386, MONDO:0015356.
Rhabdoid tumor predisposition syndrome 2 (RTPS2). Identifiers: Orphanet 231108, Orphanet 69077, MedGen C2750074, MONDO:0013224, OMIM 613325.

Submissions (2):

Ambry Genetics
Classification: Uncertain significance for Hereditary cancer-predisposing syndrome. Last evaluated: 2026-05-30. Review status: criteria provided, single submitter. Criteria: Ambry Variant Classification Scheme 2023. Collection method: clinical testing. Allele origin: germline.
Comment: The p.A317T variant (also known as c.949G>A), located in coding exon 5 of the SMARCA4 gene, results from a G to A substitution at nucleotide position 949. The alanine at codon 317 is replaced by threonine, an amino acid with similar properties. This amino acid position is conserved. In addition, this alteration is predicted to be tolerated by in silico analysis. Based on the available evidence, the clinical significance of this variant remains unclear.

Labcorp Genetics (formerly Invitae), Labcorp
Classification: Uncertain significance for Rhabdoid tumor predisposition syndrome 2. Last evaluated: 2023-05-24. Review status: criteria provided, single submitter. Criteria: Invitae Variant Classification Sherloc (09022015). Collection method: clinical testing. Allele origin: germline.
Comment: Advanced modeling of protein sequence and biophysical properties (such as structural, functional, and spatial information, amino acid conservation, physicochemical variation, residue mobility, and thermodynamic stability) performed at Invitae indicates that this missense variant is not expected to disrupt SMARCA4 protein function. In summary, the available evidence is currently insufficient to determine the role of this variant in disease. Therefore, it has been classified as a Variant of Uncertain Significance. This variant has not been reported in the literature in individuals affected with SMARCA4-related conditions. This variant is not present in population databases (gnomAD no frequency). This sequence change replaces alanine, which is neutral and non-polar, with threonine, which is neutral and polar, at codon 317 of the SMARCA4 protein (p.Ala317Thr).

NM_003072.5(SMARCA4):c.949G>A (p.Ala317Thr)

Gene: SMARCA4 (SWI/SNF related BAF chromatin remodeling complex subunit ATPase 4; plus strand). Cytogenetic location: 19p13.2.
Variant type: single nucleotide variant.
Coding change: c.949G>A on transcript NM_003072.5 (MANE Select); coding-DNA position 949, G replaced by A.
Protein change: p.Ala317Thr; replaces alanine 317 with threonine.
Molecular consequence: missense variant. On other transcripts: non-coding transcript variant (1).
Genome position (GRCh38, 1-based): chr19:10,987,755, G>A. VCF-style: chr19-10987755-G-A. GRCh37 (hg19) VCF-style: chr19-11098431-G-A.
Other names: c.949G>A, p.Ala317Thr (NM_001128844.3, NM_001128845.2, NM_001128846.2 and 6 more transcripts); c.949G>A (NM_001128849.1); short protein forms A317T.
Identifiers: ClinVar variation 2996401 (VCV002996401.4), dbSNP rs2145817035, ClinGen allele CA404058509.